The following is an entry in ClinVar:

ClinVar aggregate classification (germline): Uncertain significance. Review status: criteria provided, multiple submitters, no conflicts (2 of 4 stars). 2 submissions from 2 submitters: Uncertain significance (2). Last evaluated 2026-07-06.

Conditions:
Birt-Hogg-Dube syndrome. Also called: Birt Hogg Dubé syndrome. Identifiers: Orphanet 122, MedGen C0346010, MONDO:0800444.
Hereditary cancer-predisposing syndrome. Also called: Tumor predisposition; Hereditary neoplastic syndrome; Hereditary Cancer Syndrome; Neoplastic Syndromes, Hereditary. Identifiers: Orphanet 140162, MedGen C0027672, MeSH D009386, MONDO:0015356.

Submissions (2):

Ambry Genetics
Classification: Uncertain significance for Hereditary cancer-predisposing syndrome. Last evaluated: 2026-07-06. Review status: criteria provided, single submitter. Criteria: Ambry Variant Classification Scheme 2023. Collection method: clinical testing. Allele origin: germline.
Comment: The p.A443G variant (also known as c.1328C>G), located in coding exon 9 of the FLCN gene, results from a C to G substitution at nucleotide position 1328. The alanine at codon 443 is replaced by glycine, an amino acid with similar properties. This amino acid position is conserved. In addition, this alteration is predicted to be tolerated by in silico analysis. Based on the available evidence, the clinical significance of this variant remains unclear.

Labcorp Genetics (formerly Invitae), Labcorp
Classification: Uncertain significance for Birt-Hogg-Dube syndrome. Last evaluated: 2024-04-05. Review status: criteria provided, single submitter. Criteria: Invitae Variant Classification Sherloc (09022015). Collection method: clinical testing. Allele origin: germline.
Comment: This sequence change replaces alanine, which is neutral and non-polar, with glycine, which is neutral and non-polar, at codon 443 of the FLCN protein (p.Ala443Gly). This variant is not present in population databases (gnomAD no frequency). This variant has not been reported in the literature in individuals affected with FLCN-related conditions. Advanced modeling of protein sequence and biophysical properties (such as structural, functional, and spatial information, amino acid conservation, physicochemical variation, residue mobility, and thermodynamic stability) performed at Invitae indicates that this missense variant is not expected to disrupt FLCN protein function with a negative predictive value of 80%. In summary, the available evidence is currently insufficient to determine the role of this variant in disease. Therefore, it has been classified as a Variant of Uncertain Significance.

NM_144997.7(FLCN):c.1328C>G (p.Ala443Gly)

Gene: FLCN (folliculin; minus strand). Cytogenetic location: 17p11.2.
Variant type: single nucleotide variant.
Coding change: c.1328C>G on transcript NM_144997.7 (MANE Select); coding-DNA position 1328, C replaced by G.
Protein change: p.Ala443Gly; replaces alanine 443 with glycine.
Molecular consequence: missense variant.
Genome position (GRCh38, 1-based): chr17:17,215,289, G>C on the plus strand (C>G on the coding strand, the complement: FLCN is on the minus strand). VCF-style: chr17-17215289-G-C. GRCh37 (hg19) VCF-style: chr17-17118603-G-C.
Other names: c.1382C>G, p.Ala461Gly (NM_001353229.2); c.1328C>G, p.Ala443Gly (NM_001353230.2, NM_001353231.2); short protein forms A443G, A461G.
Identifiers: ClinVar variation 3700055 (VCV003700055.3).